The following is an entry in ClinVar:

NM_145064.3(STAC3):c.630G>T (p.Glu210Asp)

Gene: STAC3 (SH3 and cysteine rich domain 3; minus strand). Cytogenetic location: 12q13.3.
Variant type: single nucleotide variant.
Coding change: c.630G>T on transcript NM_145064.3 (MANE Select); coding-DNA position 630, G replaced by T.
Protein change: p.Glu210Asp; replaces glutamic acid 210 with aspartic acid.
Molecular consequence: missense variant.
Genome position (GRCh38, 1-based): chr12:57,245,185, C>A on the plus strand (G>T on the coding strand, the complement: STAC3 is on the minus strand). VCF-style: chr12-57245185-C-A. GRCh37 (hg19) VCF-style: chr12-57638968-C-A.
Other names: c.513G>T, p.Glu171Asp (NM_001286256.2); c.72G>T, p.Glu24Asp (NM_001286257.2); c.630G>T (NM_145064.1); short protein forms E171D, E24D, E210D.
Identifiers: ClinVar variation 1447372 (VCV001447372.9), dbSNP rs758788446, ClinGen allele CA6647067.
Genomic context (GRCh38, chr12:57,245,185, plus strand): 5'-TGGAGGTGGGTAACACTCACCATCCTGGGGTTTGCCTTCCTCTGGTCTGGCCGACTCTGG[C>A]TCCTCCTCCATCATGGCTGCTACAGGCTGGAGGGGGCACCAGAGTTAGGGAGACGCTGTC-3'
Protein context (NP_659501.1, residues 200-220): KNPVAAMMEE[Glu210Asp]PESARPEEGK

ClinVar aggregate classification (germline): Uncertain significance. Review status: criteria provided, multiple submitters, no conflicts (2 of 4 stars). 2 submissions from 2 submitters: Uncertain significance (2). Last evaluated 2025-02-15.

Conditions:
Inborn genetic diseases. Identifiers: MedGen C0950123, MeSH D030342.
Bailey-Bloch congenital myopathy (CMYO13). Also called: Congenital myopathy 13; STAC3 disorder; Native American myopathy. Identifiers: Orphanet 168572, MedGen C1850625, MONDO:0009722, OMIM 255995.

Allele frequency attached by ClinVar (database versions not stated): gnomAD exomes below 0.00001 and 0.00001; gnomAD 0.00001; TOPMed 0.00001; ExAC 0.00002.
gnomAD v4.1: 3 of 1,614,020 alleles (0.00019%); highest among the groups gnomAD compares: African/African-American, 0.0027%; no homozygotes.

Submissions (2):

Ambry Genetics
Classification: Uncertain significance for Inborn genetic diseases. Last evaluated: 2025-02-15. Review status: criteria provided, single submitter. Criteria: Ambry Variant Classification Scheme 2023. Collection method: clinical testing. Allele origin: germline.

Labcorp Genetics (formerly Invitae), Labcorp
Classification: Uncertain significance for Bailey-Bloch congenital myopathy. Last evaluated: 2022-11-01. Review status: criteria provided, single submitter. Criteria: Invitae Variant Classification Sherloc (09022015). Collection method: clinical testing. Allele origin: germline.
Comment: This variant has not been reported in the literature in individuals affected with STAC3-related conditions. This sequence change replaces glutamic acid, which is acidic and polar, with aspartic acid, which is acidic and polar, at codon 210 of the STAC3 protein (p.Glu210Asp). This variant is present in population databases (rs758788446, gnomAD 0.008%). ClinVar contains an entry for this variant (Variation ID: 1447372). Advanced modeling of protein sequence and biophysical properties (such as structural, functional, and spatial information, amino acid conservation, physicochemical variation, residue mobility, and thermodynamic stability) performed at Invitae indicates that this missense variant is not expected to disrupt STAC3 protein function. In summary, the available evidence is currently insufficient to determine the role of this variant in disease. Therefore, it has been classified as a Variant of Uncertain Significance.